The following is an entry in ClinVar:

ClinVar aggregate classification (germline): Uncertain significance (1 of 4 stars; one submission).

Conditions:
CHARGE syndrome (CHARGE). Also called: Hittner Hirsch Kreh syndrome; CHARGE ASSOCIATION--COLOBOMA, HEART ANOMALY, CHOANAL ATRESIA, RETARDATION, GENITAL AND EAR ANOMALIES; Coloboma, heart anomaly, choanal atresia, retardation, genital and ear anomalies; CHARGE association; Hall-Hittner syndrome. Identifiers: Orphanet 138, MedGen C0265354, MONDO:0008965.

Submission:

Labcorp Genetics (formerly Invitae), Labcorp
Classification: Uncertain significance for CHARGE syndrome. Last evaluated: 2022-04-10. Review status: criteria provided, single submitter. Criteria: Invitae Variant Classification Sherloc (09022015). Collection method: clinical testing. Allele origin: germline.
Comment: In summary, the available evidence is currently insufficient to determine the role of this variant in disease. Therefore, it has been classified as a Variant of Uncertain Significance. Advanced modeling of protein sequence and biophysical properties (such as structural, functional, and spatial information, amino acid conservation, physicochemical variation, residue mobility, and thermodynamic stability) performed at Invitae indicates that this missense variant is not expected to disrupt CHD7 protein function. This variant has not been reported in the literature in individuals affected with CHD7-related conditions. This variant is not present in population databases (gnomAD no frequency). This sequence change replaces leucine, which is neutral and non-polar, with valine, which is neutral and non-polar, at codon 290 of the CHD7 protein (p.Leu290Val).

NM_017780.4(CHD7):c.868C>G (p.Leu290Val)

Gene: CHD7 (chromodomain helicase DNA binding protein 7; plus strand). Cytogenetic location: 8q12.2.
Variant type: single nucleotide variant.
Coding change: c.868C>G on transcript NM_017780.4 (MANE Select); coding-DNA position 868, C replaced by G.
Protein change: p.Leu290Val; replaces leucine 290 with valine.
Molecular consequence: missense variant.
Genome position (GRCh38, 1-based): chr8:60,742,300, C>G. VCF-style: chr8-60742300-C-G. GRCh37 (hg19) VCF-style: chr8-61654859-C-G.
Other names: c.868C>G, p.Leu290Val (NM_001316690.1); short protein forms L290V.
Identifiers: ClinVar variation 2152916 (VCV002152916.4), dbSNP rs2487272025, ClinGen allele CA371299800.